The following is an entry in ClinVar:

NM_001079872.2(CUL4B):c.916A>G (p.Ile306Val)

Gene: CUL4B (cullin 4B; minus strand). Cytogenetic location: Xq24.
Variant type: single nucleotide variant.
Coding change: c.916A>G on transcript NM_001079872.2 (MANE Select); coding-DNA position 916, A replaced by G.
Protein change: p.Ile306Val; replaces isoleucine 306 with valine.
Molecular consequence: missense variant.
Genome position (GRCh38, 1-based): chrX:120,545,448, T>C on the plus strand (A>G on the coding strand, the complement: CUL4B is on the minus strand). VCF-style: chrX-120545448-T-C. GRCh37 (hg19) VCF-style: chrX-119679303-T-C.
Other names: c.931A>G, p.Ile311Val (NM_001330624.2); c.382A>G, p.Ile128Val (NM_001369145.1); c.970A>G, p.Ile324Val (NM_003588.4); c.970A>G (NM_003588.3); short protein forms I128V, I306V, I311V, I324V.
Identifiers: ClinVar variation 4887093 (VCV004887093.2).
Genomic context (GRCh38, chrX:120,545,448, plus strand): 5'-ATTAAGATTTGAGTATGATTTGGAACAATCTTTTCATATTTTTCTGGCATCCTTACCAAA[T>C]GGAGGGTAGCATTGAATTCTGAAGAACGTAAGTTCTATCCAGAAACAAAAAAATGCTCCT-3'
Protein context (NP_001073341.1, residues 296-316): YVLQNSMLPS[Ile306Val]WDMGLELFRA

ClinVar aggregate classification (germline): Uncertain significance. Review status: criteria provided, multiple submitters, no conflicts (2 of 4 stars). 2 submissions from 2 submitters: Uncertain significance (2). Last evaluated 2026-08-25.

Conditions:
X-linked intellectual disability Cabezas type (MRXSC). Also called: CABEZAS SYNDROME; MENTAL RETARDATION, X-LINKED, SYNDROMIC 15; Intellectual developmental disorder, X-linked syndromic, Cabezas type. Identifiers: Orphanet 85289, Orphanet 85293, MedGen C1845861, MONDO:0010306, OMIM 300354.
CUL4B-related disorder. Also called: CUL4B-related condition.

Submissions (2):

Prenatal Diagnosis Center, The Affiliated Hospital of Qingdao University
Classification: Uncertain significance for X-linked intellectual disability Cabezas type. Last evaluated: 2026-08-25. Review status: criteria provided, single submitter. Criteria: ACMG Guidelines, 2015. Collection method: research. Allele origin: germline. Inheritance: X-linked inheritance. Affected: yes. Observed: 1 variant allele, 1 hemizygote.
Comment: NM_001079872.2(CUL4B):c.916A>G (p.Ile306Val). Classified as VUS per ACMG/AMP guidelines (PM2_Supporting, PP1_Supporting, PP3_Supporting). In silico predictions are discordant (AlphaMissense 0.264, CADD 22.6, SIFT 0.86).

PreventionGenetics, part of Exact Sciences
Classification: Uncertain significance for CUL4B-related condition. Last evaluated: 2025-05-29. Review status: criteria provided, single submitter. Criteria: ACMG Guidelines, 2015. Collection method: clinical testing. Allele origin: germline.
Comment: The CUL4B c.970A>G variant is predicted to result in the amino acid substitution p.Ile324Val. To our knowledge, this variant has not been reported in the literature or in a large population database (gnomAD), indicating this variant is rare. At this time, the clinical significance of this variant is uncertain due to the absence of conclusive functional and genetic evidence.